The following is an entry in ClinVar:

NM_001042492.3(NF1):c.1865G>A (p.Cys622Tyr)

Gene: NF1 (neurofibromin 1; plus strand). Cytogenetic location: 17q11.2.
Variant type: single nucleotide variant.
Coding change: c.1865G>A on transcript NM_001042492.3 (MANE Select); coding-DNA position 1865, G replaced by A.
Protein change: p.Cys622Tyr; replaces cysteine 622 with tyrosine.
Molecular consequence: missense variant.
Genome position (GRCh38, 1-based): chr17:31,225,114, G>A. VCF-style: chr17-31225114-G-A. GRCh37 (hg19) VCF-style: chr17-29552132-G-A.
Other names: c.1865G>A, p.Cys622Tyr (NM_000267.4); short protein forms C622Y.
Identifiers: ClinVar variation 231003 (VCV000231003.12), dbSNP rs535869486, ClinGen allele CA8485874.
Genomic context (GRCh38, chr17:31,225,114, plus strand): 5'-GTCAGTGCTTCAGTAAAGCTTATTTATTTATTTTTTTCTAGCAGGCAGATAGAAGTTCCT[G>A]TCACTTTCTCCTTTTTTACGGGGTAGGATGTGATATTCCTTCTAGTGGAAATACCAGTCA-3'
Protein context (NP_001035957.1, residues 612-632): LKNKQADRSS[Cys622Tyr]HFLLFYGVGC

ClinVar aggregate classification (germline): Uncertain significance. Review status: criteria provided, multiple submitters, no conflicts (2 of 4 stars). 4 submissions from 4 submitters: Uncertain significance (4). Last evaluated 2022-03-15.

Conditions:
Hereditary cancer-predisposing syndrome. Also called: Hereditary Cancer Syndrome; Neoplastic Syndromes, Hereditary; Tumor predisposition; Hereditary neoplastic syndrome. Identifiers: Orphanet 140162, MedGen C0027672, MeSH D009386, MONDO:0015356.
Neurofibromatosis, type 1 (NF1). Also called: Neurofibromatosis, type I; VON RECKLINGHAUSEN DISEASE; NEUROFIBROMATOSIS, TYPE I, SOMATIC; Peripheral type neurofibromatosis. Identifiers: Orphanet 636, MedGen C0027831, MONDO:0018975, OMIM 162200. Disease mechanism: loss of function.

Allele frequency attached by ClinVar (database versions not stated): gnomAD exomes below 0.00001; ExAC 0.00001; gnomAD 0.00001; 1000 Genomes Project 30x 0.00016; 1000 Genomes Project 0.00020.
gnomAD v4.1: 2 of 1,613,532 alleles (0.00012%); highest among the groups gnomAD compares: South Asian, 0.0011%; no homozygotes.

Submissions (4):

Genome-Nilou Lab
Classification: Uncertain significance for Neurofibromatosis, type 1. Last evaluated: 2022-03-15. Review status: criteria provided, single submitter. Criteria: ACMG Guidelines, 2015. Collection method: clinical testing. Allele origin: germline. Affected: no.

Labcorp Genetics (formerly Invitae), Labcorp
Classification: Uncertain significance for Neurofibromatosis, type 1. Last evaluated: 2020-12-01. Review status: criteria provided, single submitter. Criteria: Invitae Variant Classification Sherloc (09022015). Collection method: clinical testing. Allele origin: germline.
Comment: In summary, the available evidence is currently insufficient to determine the role of this variant in disease. Therefore, it has been classified as a Variant of Uncertain Significance. Advanced modeling of protein sequence and biophysical properties (such as structural, functional, and spatial information, amino acid conservation, physicochemical variation, residue mobility, and thermodynamic stability) performed at Invitae indicates that this missense variant is not expected to disrupt NF1 protein function. This variant has not been reported in the literature in individuals with NF1-related conditions. ClinVar contains an entry for this variant (Variation ID: 231003). This variant is present in population databases (rs535869486, ExAC 0.006%). This sequence change replaces cysteine with tyrosine at codon 622 of the NF1 protein (p.Cys622Tyr). The cysteine residue is moderately conserved and there is a large physicochemical difference between cysteine and tyrosine.

Victorian Clinical Genetics Services, Murdoch Childrens Research Institute
Classification: Uncertain significance for Neurofibromatosis, type 1. Last evaluated: 2019-08-28. Review status: criteria provided, single submitter. Criteria: ACMG Guidelines, 2015. Collection method: clinical testing. Allele origin: germline. Inheritance: Autosomal dominant inheritance. Affected: yes.
Comment: A heterozygous missense variant was identified,NM_000267.3(NF1):c.1865G>A in exon 17 of 57 of the NF1 gene. This substitution is predicted to create a major amino acid change from cysteine to tyrosine at position 622 of the protein, NP_000258.1(NF1):p.(Cys622Tyr). The cysteine at this position has low conservation (100 vertebrates, UCSC), and is not situated in a known functional domain. In silico software predictions of the pathogenicity of this variant are conflicting (Polyphen, SIFT, CADD, Mutation Taster). The variant is present in the gnomAD population database at a frequency of 0.0004% (1 heterozygote) and has previously been reported as a variant of unknown significance (ClinVar). Based on information available at the time of curation, this variant has been classified as a VARIANT of UNCERTAIN SIGNIFICANCE (VUS).

Ambry Genetics
Classification: Uncertain significance for Hereditary cancer-predisposing syndrome. Last evaluated: 2015-03-29. Review status: criteria provided, single submitter. Criteria: Ambry Autosomal Dominant and X-Linked criteria (10/2015). Collection method: clinical testing. Allele origin: germline. Observed: 1 variant allele.
Comment: The p.C622Y variant (also known as c.1865G>A), located in coding exon 17 of the NF1 gene, results from a G to A substitution at nucleotide position 1865. The cysteine at codon 622 is replaced by tyrosine, an amino acid with highly dissimilar properties. This variant was not reported in population based cohorts in the following databases: Database of Single Nucleotide Polymorphisms (dbSNP), NHLBI Exome Sequencing Project (ESP), and 1000 Genomes Project. In the ESP, this variant was not observed in 6503 samples (13006 alleles) with coverage at this position. To date, this alteration has been detected with an allele frequency of approximately 0.003% (greater than 30000alleles tested) in our clinical cohort.This amino acid position is well conserved in available vertebrate species. In addition, this alteration is predicted to be benign yet deleterious by PolyPhen and SIFT in silico analyses, respectively.Since supporting evidence is limited at this time, the clinical significance of p.C622Y remains unclear.